The following is an entry in ClinVar:

NM_024537.4(CARS2):c.224+4G>A

Gene: CARS2 (cysteinyl-tRNA synthetase 2, mitochondrial; minus strand). Cytogenetic location: 13q34.
Variant type: single nucleotide variant.
Coding change: c.224+4G>A on transcript NM_024537.4 (MANE Select); 4 bases into the intron after coding-DNA position 224, G replaced by A.
Molecular consequence: intron variant.
Genome position (GRCh38, 1-based): chr13:110,705,866, C>T on the plus strand (G>A on the coding strand, the complement: CARS2 is on the minus strand). VCF-style: chr13-110705866-C-T. GRCh37 (hg19) VCF-style: chr13-111358213-C-T.
Other names: c.-775-295G>A (NM_001352252.2); c.224+4G>A (NM_001352253.3).
Identifiers: ClinVar variation 1054338 (VCV001054338.10), dbSNP rs1225069963, ClinGen allele CA612867044.

ClinVar aggregate classification (germline): Uncertain significance (1 of 4 stars; one submission).

Conditions:
Combined oxidative phosphorylation defect type 27. Also called: Combined oxidative phosphorylation deficiency 27. Identifiers: Orphanet 477774, MedGen C5567608, MONDO:0014728, OMIM 616672.

Allele frequency attached by ClinVar (database versions not stated): TOPMed 0.00002; gnomAD 0.00005; gnomAD exomes 0.00005.

Submission:

Labcorp Genetics (formerly Invitae), Labcorp
Classification: Uncertain significance for Combined oxidative phosphorylation defect type 27. Last evaluated: 2022-07-25. Review status: criteria provided, single submitter. Criteria: Invitae Variant Classification Sherloc (09022015). Collection method: clinical testing. Allele origin: germline.
Comment: In summary, the available evidence is currently insufficient to determine the role of this variant in disease. Therefore, it has been classified as a Variant of Uncertain Significance. Variants that disrupt the consensus splice site are a relatively common cause of aberrant splicing (PMID: 17576681, 9536098). Algorithms developed to predict the effect of sequence changes on RNA splicing suggest that this variant may disrupt the consensus splice site. ClinVar contains an entry for this variant (Variation ID: 1054338). This variant has not been reported in the literature in individuals affected with CARS2-related conditions. The frequency data for this variant in the population databases is considered unreliable, as metrics indicate poor data quality at this position in the gnomAD database. This sequence change falls in intron 1 of the CARS2 gene. It does not directly change the encoded amino acid sequence of the CARS2 protein. It affects a nucleotide within the consensus splice site.

Literature cited by the submitters: PubMed 17576681; PubMed 9536098.